The following is an entry in ClinVar:

NM_172245.4(CSF2RA):c.74C>T (p.Ser25Leu)

Gene: CSF2RA (colony stimulating factor 2 receptor subunit alpha; plus strand). Cytogenetic location: Xp22.33.
Variant type: single nucleotide variant.
Coding change: c.74C>T on transcript NM_172245.4 (MANE Select); coding-DNA position 74, C replaced by T.
Protein change: p.Ser25Leu; replaces serine 25 with leucine.
Molecular consequence: missense variant. On other transcripts: 5 prime UTR variant (1), non-coding transcript variant (1).
Genome position (GRCh38, 1-based): chrX:1,282,777, C>T. VCF-style: chrX-1282777-C-T. GRCh37 (hg19) VCF-style: chrX-1401670-C-T.
Other names: c.74C>T, p.Ser25Leu (NM_001161529.2, NM_001161530.2, NM_001161531.2 and 21 more transcripts); c.-183C>T (NM_001161532.2); short protein forms S25L.
Identifiers: ClinVar variation 2983365 (VCV002983365.4), dbSNP rs757087323, ClinGen allele CA10330612.

ClinVar aggregate classification (germline): Uncertain significance (1 of 4 stars; one submission).

Conditions:
Surfactant metabolism dysfunction, pulmonary, 4 (SMDP4). Also called: CSF2RA DEFICIENCY; PAP DUE TO CSF2RA DEFICIENCY; PULMONARY ALVEOLAR PROTEINOSIS, CONGENITAL, 4. Identifiers: Orphanet 264675, MedGen C2677877, MONDO:0010424, OMIM 300770.

Allele frequency attached by ClinVar (database versions not stated): gnomAD exomes below 0.00001; ExAC 0.00001.

Submissions (4):

Labcorp Genetics (formerly Invitae), Labcorp
Classification: Uncertain significance for Surfactant metabolism dysfunction, pulmonary, 4. Last evaluated: 2025-08-15. Review status: criteria provided, single submitter. Criteria: Invitae Variant Classification Sherloc (09022015). Collection method: clinical testing. Allele origin: germline.
Comment: This sequence change replaces serine, which is neutral and polar, with leucine, which is neutral and non-polar, at codon 25 of the CSF2RA protein (p.Ser25Leu). This variant is present in population databases (no rsID available, gnomAD 0.0009%). This variant has not been reported in the literature in individuals affected with CSF2RA-related conditions. ClinVar contains an entry for this variant (Variation ID: 2983365). An algorithm developed to predict the effect of missense changes on protein structure and function outputs the following: PolyPhen-2: "Benign". The leucine amino acid residue is found in multiple mammalian species, which suggests that this missense change does not adversely affect protein function. In summary, the available evidence is currently insufficient to determine the role of this variant in disease. Therefore, it has been classified as a Variant of Uncertain Significance.

Dr. Peter K. Rogan Lab, Western University
No classification provided (evidence only). Condition: Colorectal cancer. Review status: no classification provided. Collection method: in vitro. Allele origin: not applicable. Functional consequence: retained intron. Not counted in ClinVar's aggregate classification.

Dr. Peter K. Rogan Lab, Western University
No classification provided (evidence only). Condition: Thyroid cancer, nonmedullary, 1. Review status: no classification provided. Collection method: in vitro. Allele origin: not applicable. Functional consequence: retained intron. Not counted in ClinVar's aggregate classification.

Dr. Peter K. Rogan Lab, Western University
No classification provided (evidence only). Condition: Thyroid cancer, nonmedullary, 1. Review status: no classification provided. Collection method: in vitro. Allele origin: not applicable. Functional consequence: retained intron. Not counted in ClinVar's aggregate classification.